The following is an entry in ClinVar:

NM_001394372.1(BICRA):c.4608G>A (p.Pro1536=)

Gene: BICRA (BRD4 interacting chromatin remodeling complex associated protein; plus strand). Cytogenetic location: 19q13.33.
Variant type: single nucleotide variant.
Coding change: c.4608G>A on transcript NM_001394372.1 (MANE Select); coding-DNA position 4608, G replaced by A.
Protein change: p.Pro1536=; no amino-acid change (proline 1536 retained).
Molecular consequence: synonymous variant.
Genome position (GRCh38, 1-based): chr19:47,702,340, G>A. VCF-style: chr19-47702340-G-A. GRCh37 (hg19) VCF-style: chr19-48205597-G-A.
Other names: c.4608G>A, p.Pro1536= (NM_015711.3).
Identifiers: ClinVar variation 3257699 (VCV003257699.18).

ClinVar aggregate classification (germline): Likely benign. Review status: criteria provided, multiple submitters, no conflicts (2 of 4 stars). 2 submissions from 2 submitters: Likely benign (2). Last evaluated 2025-01-01.

gnomAD v4.1: 145 of 1,538,574 alleles (0.0094%); highest among the groups gnomAD compares: East Asian, 0.017%; no homozygotes.

Submissions (2):

CeGaT Center for Human Genetics Tuebingen
Classification: Likely benign. Last evaluated: 2025-01-01. Review status: criteria provided, single submitter. Criteria: CeGaT Center For Human Genetics Tuebingen Variant Classification Criteria Version 2. Collection method: clinical testing. Allele origin: germline. Affected: yes. Observed: 2 variant alleles.
Comment: BICRA: BP4, BP7

Blueprint Genetics
Classification: Likely benign. Last evaluated: 2024-10-03. Review status: criteria provided, single submitter. Criteria: ACMG Guidelines, 2015. Collection method: clinical testing. Allele origin: germline.